The following is an entry in ClinVar:

NM_000878.5(IL2RB):c.1152C>T (p.Tyr384=)

Gene: IL2RB (interleukin 2 receptor subunit beta; minus strand). Cytogenetic location: 22q12.3.
Variant type: single nucleotide variant.
Coding change: c.1152C>T on transcript NM_000878.5 (MANE Select); coding-DNA position 1152, C replaced by T.
Protein change: p.Tyr384=; no amino-acid change (tyrosine 384 retained).
Molecular consequence: synonymous variant.
Genome position (GRCh38, 1-based): chr22:37,128,600, G>A on the plus strand (C>T on the coding strand, the complement: IL2RB is on the minus strand). VCF-style: chr22-37128600-G-A. GRCh37 (hg19) VCF-style: chr22-37524640-G-A.
Other names: p.Tyr384=; c.1152C>T, p.Tyr384= (NM_001346222.1, NM_001346223.2).
Identifiers: ClinVar variation 1168754 (VCV001168754.36), dbSNP rs146986731, ClinGen allele CA10216410.

ClinVar aggregate classification (germline): Benign/Likely benign. Review status: criteria provided, multiple submitters, no conflicts (2 of 4 stars). 6 submissions from 6 submitters: Benign (1); Likely benign (3). 2 of the submissions do not count toward it. Last evaluated 2026-09-01.

Allele frequency attached by ClinVar (database versions not stated): 1000 Genomes Project 0.00100; gnomAD exomes 0.00132 and 0.00093; ESP Exome Variant Server 0.00054; TOPMed 0.00065; gnomAD 0.00073 and 0.00081; 1000 Genomes Project 30x 0.00078; ExAC 0.00097.
gnomAD v4.1: 2,036 of 1,614,096 alleles (0.13%); highest among the groups gnomAD compares: South Asian, 0.24%; 3 homozygotes.

Submissions (6):

CeGaT Center for Human Genetics Tuebingen
Classification: Likely benign. Last evaluated: 2026-09-01. Review status: criteria provided, single submitter. Criteria: CeGaT Center For Human Genetics Tuebingen Variant Classification Criteria Version 2. Collection method: clinical testing. Allele origin: germline. Affected: yes. Observed: 5 variant alleles.
Comment: IL2RB: BP4, BP7

Labcorp Genetics (formerly Invitae), Labcorp
Classification: Benign. Last evaluated: 2026-01-24. Review status: criteria provided, single submitter. Criteria: Invitae Variant Classification Sherloc (09022015). Collection method: clinical testing. Allele origin: germline.

Mayo Clinic Laboratories, Mayo Clinic
Classification: Likely benign. Last evaluated: 2025-10-08. Review status: criteria provided, single submitter. Criteria: ACMG Guidelines, 2015. Collection method: clinical testing. Allele origin: germline. Observed: 1 variant allele.
Comment: BS1, BP4, BP7

Blueprint Genetics
Classification: Likely benign. Last evaluated: 2024-11-28. Review status: criteria provided, single submitter. Criteria: ACMG Guidelines, 2015. Collection method: clinical testing. Allele origin: germline.

Clinical Genetics DNA and cytogenetics Diagnostics Lab, Erasmus MC, Erasmus Medical Center
Classification: Likely benign. Review status: no assertion criteria provided. Collection method: clinical testing. Allele origin: germline. Affected: yes. Study: VKGL Data-share Consensus. Not counted in ClinVar's aggregate classification.

Genome Diagnostics Laboratory, University Medical Center Utrecht
Classification: Likely benign. Review status: no assertion criteria provided. Collection method: clinical testing. Allele origin: germline. Affected: yes. Study: VKGL Data-share Consensus. Not counted in ClinVar's aggregate classification.